The following is an entry in ClinVar:

NM_001034853.2(RPGR):c.1219_1222del (p.Ser407fs)

Gene: RPGR (retinitis pigmentosa GTPase regulator; minus strand). Cytogenetic location: Xp11.4.
Variant type: Deletion.
Coding change: c.1219_1222del on transcript NM_001034853.2 (MANE Select); coding-DNA positions 1219 to 1222, 4 bases deleted (TCAG; older notation c.1219_1222delTCAG).
Protein change: p.Ser407fs; shifts the reading frame from serine 407.
Molecular consequence: frameshift variant. On other transcripts: non-coding transcript variant (6), intron variant (2).
Genome position (GRCh38, 1-based): chrX:38,298,979-38,298,982, CTGA deleted on the plus strand (TCAG on the coding strand, the reverse complement: RPGR is on the minus strand). VCF-style (leftmost placement, unchanged base first): chrX-38298978-GCTGA-G. GRCh37 (hg19) VCF-style: chrX-38158231-GCTGA-G.
Other names: c.1219_1222del, p.Ser407fs (NM_000328.3, NM_001367247.1); c.1216_1219del, p.Ser406fs (NM_001367245.1, NM_001367249.1, NM_001367250.1); c.1249_1252del, p.Ser417fs (NM_001367248.1); c.1060-1530_1060-1527del (NM_001367251.1, NM_001367246.1); short protein forms S406fs, S407fs, S417fs.
Identifiers: ClinVar variation 3628294 (VCV003628294.2).

ClinVar aggregate classification (germline): Pathogenic (1 of 4 stars; one submission).

Conditions:
Primary ciliary dyskinesia. Also called: Ciliary dyskinesia. Identifiers: Orphanet 244, MedGen C0008780, MONDO:0016575, HP:0012265.

Submission:

Labcorp Genetics (formerly Invitae), Labcorp
Classification: Pathogenic for Primary ciliary dyskinesia. Last evaluated: 2024-10-17. Review status: criteria provided, single submitter. Criteria: Invitae Variant Classification Sherloc (09022015). Collection method: clinical testing. Allele origin: germline.
Comment: This sequence change creates a premature translational stop signal (p.Ser407Hisfs*17) in the RPGR gene. It is expected to result in an absent or disrupted protein product. Loss-of-function variants in RPGR are known to be pathogenic (PMID: 16055928, 16969763). This variant is not present in population databases (gnomAD no frequency). This variant has not been reported in the literature in individuals affected with RPGR-related conditions. For these reasons, this variant has been classified as Pathogenic.

Literature cited by the submitters: PubMed 16055928; PubMed 16969763.